The following is an entry in ClinVar:

ClinVar aggregate classification (germline): Pathogenic/Likely pathogenic. Review status: criteria provided, multiple submitters, no conflicts (2 of 4 stars). 2 submissions from 2 submitters: Pathogenic (1); Likely pathogenic (1). Last evaluated 2022-03-07.

Conditions:
Hereditary cancer-predisposing syndrome. Also called: Tumor predisposition; Hereditary neoplastic syndrome; Hereditary Cancer Syndrome; Neoplastic Syndromes, Hereditary. Identifiers: Orphanet 140162, MedGen C0027672, MeSH D009386, MONDO:0015356.
Hereditary breast ovarian cancer syndrome. Also called: Breast and ovarian cancer; BRCA1- and BRCA2-Associated Hereditary Breast and Ovarian Cancer; Hereditary breast and ovarian cancer; Hereditary breast and ovarian cancer syndrome; Hereditary breast and/or ovarian cancer syndrome; Hereditary breast and ovarian cancer syndrome (HBOC). Identifiers: Orphanet 145, MedGen C0677776, MeSH D061325, MONDO:0003582. Disease mechanism: loss of function.

Submissions (2):

Women's Health and Genetics/Laboratory Corporation of America, LabCorp
Classification: Likely pathogenic for Hereditary breast ovarian cancer syndrome. Last evaluated: 2022-03-07. Review status: criteria provided, single submitter. Criteria: LabCorp Variant Classification Summary - May 2015. Collection method: clinical testing. Allele origin: germline.
Comment: Variant summary: BRCA1 c.1604delG (p.Gly535GlufsX11) results in a premature termination codon, predicted to cause a truncation of the encoded protein or absence of the protein due to nonsense mediated decay, which are commonly known mechanisms for disease. Truncations downstream of this position have been classified as pathogenic by our laboratory. The variant was absent in 250846 control chromosomes (gnomAD). To our knowledge, no occurrence of c.1604delG in individuals affected with Hereditary Breast And Ovarian Cancer Syndrome and no experimental evidence demonstrating its impact on protein function have been reported. No clinical diagnostic laboratories have submitted clinical-significance assessments for this variant to ClinVar after 2014. Based on the evidence outlined above, the variant was classified as likely pathogenic.

Ambry Genetics
Classification: Pathogenic for Hereditary cancer-predisposing syndrome. Last evaluated: 2017-02-10. Review status: criteria provided, single submitter. Criteria: Ambry Variant Classification Scheme 2023. Collection method: clinical testing. Allele origin: germline.
Comment: The c.1604delG pathogenic mutation, located in coding exon 9 of the BRCA1 gene, results from a deletion of one nucleotide at nucleotide position 1604, causing a translational frameshift with a predicted alternate stop codon (p.G535Efs*11). This alteration is expected to result in loss of function by premature protein truncation or nonsense-mediated mRNA decay. As such, this alteration is interpreted as a disease-causing mutation.

NM_007294.4(BRCA1):c.1604del (p.Gly535fs)

Gene: BRCA1 (BRCA1 DNA repair associated; minus strand). Cytogenetic location: 17q21.31.
Variant type: Deletion.
Coding change: c.1604del on transcript NM_007294.4 (MANE Select); coding-DNA position 1604, one base deleted (G; older notation c.1604delG).
Protein change: p.Gly535fs; shifts the reading frame from glycine 535.
Molecular consequence: frameshift variant. On other transcripts: intron variant (137).
Genome position (GRCh38, 1-based): chr17:43,093,927, C deleted on the plus strand (G on the coding strand, the reverse complement: BRCA1 is on the minus strand); the first of 3 consecutive C bases (chr17:43,093,927-43,093,929); deleting any one gives the same sequence. VCF-style (leftmost placement, unchanged base first): chr17-43093926-TC-T. GRCh37 (hg19) VCF-style: chr17-41245943-TC-T.
Other names: c.1391del, p.Gly464fs (NM_001407571.1, NM_001407853.1, NM_001407894.1 and 9 more transcripts); c.1604del, p.Gly535fs (NM_001407581.1, NM_001407582.1, NM_001407583.1 and 30 more transcripts); c.1601del, p.Gly534fs (NM_001407587.1, NM_001407590.1, NM_001407591.1 and 22 more transcripts); c.1595del, p.Gly532fs (NM_001407646.1, NM_001407647.1); c.1481del, p.Gly494fs (NM_001407648.1, NM_001407664.1, NM_001407665.1 and 19 more transcripts); c.1478del, p.Gly493fs (NM_001407649.1, NM_001407670.1, NM_001407671.1 and 11 more transcripts); c.1526del, p.Gly509fs (NM_001407653.1, NM_001407654.1, NM_001407655.1 and 4 more transcripts); c.1523del, p.Gly508fs (NM_001407659.1, NM_001407660.1, NM_001407661.1 and 1 more transcripts); and 41 more; short protein forms G488fs, G535fs, G424fs, G493fs, G494fs, G509fs, G534fs, G367fs.
Identifiers: ClinVar variation 1677030 (VCV001677030.4), dbSNP rs2154434302, ClinGen allele CA2573154080.
Genomic context (GRCh38, chr17:43,093,926, plus strand): 5'-ATTCTCATGACCACTATTAGTAATATTCATCACTTGACCATTCTGCTCCGTTTGGTTAGT[TC>T]CCTGATTTATCATTTCAGGAGTCTTTTGAACTGCCAAATCTGCTTTCTTGATAAAATCCT-3'